The following is an entry in ClinVar:

ClinVar aggregate classification (germline): Conflicting classifications of pathogenicity. Review status: criteria provided, conflicting classifications (1 of 4 stars). 2 submissions from 2 submitters: Uncertain significance (1); Likely benign (1). Last evaluated 2025-12-16.

Conditions:
Brugada syndrome. Also called: Sudden unexplained nocturnal death syndrome; Sudden unexpected nocturnal death syndrome; Sudden Unexplained Death Syndrome; Sudden Unexplained Nocturnal Death Syndrome (SUNDS). Identifiers: Orphanet 130, MedGen C1142166, MONDO:0015263.
Cardiovascular phenotype. Identifiers: MedGen CN230736.

Allele frequency attached by ClinVar (database versions not stated): ExAC 0.00002; TOPMed 0.00002; gnomAD exomes 0.00003 and 0.00005; gnomAD 0.00004; ESP Exome Variant Server 0.00015.
gnomAD v4.1: 76 of 1,604,348 alleles (0.0047%); highest among the groups gnomAD compares: Non-Finnish European, 0.0064%; no homozygotes.

Submissions (2):

Ambry Genetics
Classification: Uncertain significance for Cardiovascular phenotype. Last evaluated: 2025-12-16. Review status: criteria provided, single submitter. Criteria: Ambry Variant Classification Scheme 2023. Collection method: clinical testing. Allele origin: germline.
Comment: The c.741A>T variant (also known as p.G247G), located in coding exon 9 of the CACNA2D1 gene, results from an A to T substitution at nucleotide position 741. This nucleotide substitution does not change the amino acid at codon 247. This nucleotide position is not well conserved in available vertebrate species. In silico splice site analysis for this alteration is inconclusive. The evidence for this gene-disease relationship is limited; therefore, the clinical significance of this alteration is unclear.

Labcorp Genetics (formerly Invitae), Labcorp
Classification: Likely benign for Brugada syndrome. Last evaluated: 2025-12-14. Review status: criteria provided, single submitter. Criteria: Invitae Variant Classification Sherloc (09022015). Collection method: clinical testing. Allele origin: germline.

NM_000722.4(CACNA2D1):c.741A>T (p.Gly247=)

Gene: CACNA2D1 (calcium voltage-gated channel auxiliary subunit alpha2delta 1; minus strand). Cytogenetic location: 7q21.11.
Variant type: single nucleotide variant.
Coding change: c.741A>T on transcript NM_000722.4 (MANE Select); coding-DNA position 741, A replaced by T.
Protein change: p.Gly247=; no amino-acid change (glycine 247 retained).
Molecular consequence: synonymous variant.
Genome position (GRCh38, 1-based): chr7:82,064,342, T>A on the plus strand (A>T on the coding strand, the complement: CACNA2D1 is on the minus strand). VCF-style: chr7-82064342-T-A. GRCh37 (hg19) VCF-style: chr7-81693658-T-A.
Other names: c.741A>T, p.Gly247= (NM_001302890.2, NM_001366867.1); c.741A>T (NM_000722.2).
Identifiers: ClinVar variation 663450 (VCV000663450.14), dbSNP rs372164615, ClinGen allele CA4318235.